The following is an entry in ClinVar:

NM_000270.3(PNP):c.*1146A>C

Gene: PNP (purine nucleoside phosphorylase; plus strand). Cytogenetic location: 14q11.2.
Variant type: single nucleotide variant.
Coding change: c.*1146A>C on transcript NM_000270.3; 1146 bases downstream of the stop codon, A replaced by C.
Genome position (GRCh38, 1-based): chr14:20,477,747, A>C. VCF-style: chr14-20477747-A-C. GRCh37 (hg19) VCF-style: chr14-20945906-A-C.
Identifiers: ClinVar variation 312751 (VCV000312751.7), dbSNP rs56141845, ClinGen allele CA10644972.

ClinVar aggregate classification (germline): Benign (1 of 4 stars; one submission).

Conditions:
Purine-nucleoside phosphorylase deficiency. Also called: Immunodeficiency due to purine nucleoside phosphorylase deficiency; NUCLEOSIDE PHOSPHORYLASE DEFICIENCY. Identifiers: Orphanet 760, MedGen C0268125, MONDO:0013171, OMIM 613179.

Allele frequency attached by ClinVar (database versions not stated): 1000 Genomes Project 0.20527; 1000 Genomes Project 30x 0.20628; gnomAD 0.21203 and 0.21378; TOPMed 0.21482.

Submission:

Illumina Laboratory Services, Illumina
Classification: Benign for Purine-nucleoside phosphorylase deficiency. Last evaluated: 2018-01-12. Review status: criteria provided, single submitter. Criteria: ICSL Variant Classification Criteria 13 December 2019. Collection method: clinical testing. Allele origin: germline.
Comment: This variant was observed in the ICSL laboratory as part of a predisposition screen in an ostensibly healthy population. It had not been previously curated by ICSL or reported in the Human Gene Mutation Database (HGMD: prior to June 1st, 2018), and was therefore a candidate for classification through an automated scoring system. Utilizing variant allele frequency, disease prevalence and penetrance estimates, and inheritance mode, an automated score was calculated to assess if this variant is too frequent to cause the disease. Based on the score and internal cut-off values, a variant classified as benign is not then subjected to further curation. The score for this variant resulted in a classification of benign for this disease.